The following is an entry in ClinVar:

ClinVar aggregate classification (germline): Benign/Likely benign. Review status: criteria provided, multiple submitters, no conflicts (2 of 4 stars). 5 submissions from 5 submitters: Benign (1); Likely benign (4). Last evaluated 2025-09-07.

Conditions:
Hereditary cancer-predisposing syndrome. Also called: Hereditary Cancer Syndrome; Hereditary neoplastic syndrome; Neoplastic Syndromes, Hereditary; Tumor predisposition. Identifiers: Orphanet 140162, MedGen C0027672, MeSH D009386, MONDO:0015356.
Familial cancer of breast. Also called: hereditary breast carcinoma; BREAST CANCER, FAMILIAL; Hereditary breast cancer. Identifiers: Orphanet 227535, MedGen C0346153, MONDO:0016419, OMIM 114480. Disease mechanism: loss of function.

Allele frequency attached by ClinVar (database versions not stated): gnomAD exomes below 0.00001.
gnomAD v4.1: 2 of 1,614,168 alleles (0.00012%); highest among the groups gnomAD compares: Non-Finnish European, 0.00017%; no homozygotes.

Submissions (5):

Labcorp Genetics (formerly Invitae), Labcorp
Classification: Likely benign for Familial cancer of breast. Last evaluated: 2025-09-07. Review status: criteria provided, single submitter. Criteria: Invitae Variant Classification Sherloc (09022015). Collection method: clinical testing. Allele origin: germline.

Myriad Genetics, Inc.
Classification: Benign for Familial cancer of breast. Last evaluated: 2025-01-13. Review status: criteria provided, single submitter. Criteria: Myriad Autosomal Dominant, Autosomal Recessive and X-Linked Classification Criteria (2023). Collection method: clinical testing. Allele origin: unknown.
Comment: This variant is considered benign. This variant is a silent/synonymous amino acid change and it is not expected to impact splicing.

Color Diagnostics, LLC DBA Color Health
Classification: Likely benign for Hereditary cancer-predisposing syndrome. Last evaluated: 2020-03-23. Review status: criteria provided, single submitter. Criteria: ACMG Guidelines, 2015. Collection method: clinical testing. Allele origin: germline.

Mendelics
Classification: Likely benign for Familial cancer of breast. Last evaluated: 2019-05-28. Review status: criteria provided, single submitter. Criteria: Mendelics Assertion Criteria 2017. Collection method: clinical testing. Allele origin: unknown.

Ambry Genetics
Classification: Likely benign for Hereditary cancer-predisposing syndrome. Last evaluated: 2018-01-09. Review status: criteria provided, single submitter. Criteria: Ambry Variant Classification Scheme 2023. Collection method: clinical testing. Allele origin: germline.

NM_024675.4(PALB2):c.1089T>C (p.Asp363=)

Gene: PALB2 (partner and localizer of BRCA2; minus strand). Cytogenetic location: 16p12.2.
Variant type: single nucleotide variant.
Coding change: c.1089T>C on transcript NM_024675.4 (MANE Select); coding-DNA position 1089, T replaced by C.
Protein change: p.Asp363=; no amino-acid change (aspartic acid 363 retained).
Molecular consequence: synonymous variant.
Genome position (GRCh38, 1-based): chr16:23,635,457, A>G on the plus strand (T>C on the coding strand, the complement: PALB2 is on the minus strand). VCF-style: chr16-23635457-A-G. GRCh37 (hg19) VCF-style: chr16-23646778-A-G.
Identifiers: ClinVar variation 757862 (VCV000757862.20), dbSNP rs1597097155, ClinGen allele CA494461548.